The following is an entry in ClinVar:

NM_000038.6(APC):c.834+3A>G

Gene: APC (APC regulator of Wnt signaling pathway; plus strand). Cytogenetic location: 5q22.2.
Variant type: single nucleotide variant.
Coding change: c.834+3A>G on transcript NM_000038.6 (MANE Select); 3 bases into the intron after coding-DNA position 834, A replaced by G.
Molecular consequence: intron variant.
Genome position (GRCh38, 1-based): chr5:112,801,386, A>G. VCF-style: chr5-112801386-A-G. GRCh37 (hg19) VCF-style: chr5-112137083-A-G.
Other names: c.834+3A>G (NM_001354895.2, NM_001127510.3, NM_001354896.2 and 1 more transcripts); c.864+3A>G (NM_001354897.2, NM_001354902.2); c.780+3A>G (NM_001127511.3); c.759+3A>G (NM_001354898.2, NM_001354904.2); c.-202+3A>G (NM_001354906.2); c.750+3A>G (NM_001354899.2); c.657+3A>G (NM_001354900.2, NM_001354901.2, NM_001354905.2).
Identifiers: ClinVar variation 482445 (VCV000482445.9), dbSNP rs1554076230, ClinGen allele CA658657481.

ClinVar aggregate classification (germline): Uncertain significance. Review status: criteria provided, multiple submitters, no conflicts (2 of 4 stars). 2 submissions from 2 submitters: Uncertain significance (2). Last evaluated 2025-12-16.

Conditions:
Hereditary cancer-predisposing syndrome. Also called: Neoplastic Syndromes, Hereditary; Tumor predisposition; Hereditary Cancer Syndrome; Hereditary neoplastic syndrome. Identifiers: Orphanet 140162, MedGen C0027672, MeSH D009386, MONDO:0015356.
Familial adenomatous polyposis 1 (FAP1). Also called: FAMILIAL ADENOMATOUS POLYPOSIS 1, ATTENUATED; POLYPOSIS, ADENOMATOUS INTESTINAL. Identifiers: MedGen C2713442, MONDO:0021056, OMIM 175100. Disease mechanism: loss of function.

Allele frequency attached by ClinVar (database versions not stated): TOPMed below 0.00001; gnomAD 0.00001.
gnomAD v4.1: 1 of 1,585,382 alleles (0.000063%); highest among the groups gnomAD compares: African/African-American, 0.0013%; no homozygotes.

Submissions (2):

Labcorp Genetics (formerly Invitae), Labcorp
Classification: Uncertain significance for Familial adenomatous polyposis 1. Last evaluated: 2025-12-16. Review status: criteria provided, single submitter. Criteria: Invitae Variant Classification Sherloc (09022015). Collection method: clinical testing. Allele origin: germline.
Comment: This sequence change falls in intron 8 of the APC gene. It does not directly change the encoded amino acid sequence of the APC protein. It affects a nucleotide within the consensus splice site. This variant is not present in population databases (gnomAD no frequency). This variant has not been reported in the literature in individuals affected with APC-related conditions. ClinVar contains an entry for this variant (Variation ID: 482445). Variants that disrupt the consensus splice site are a relatively common cause of aberrant splicing (PMID: 17576681, 9536098). Algorithms developed to predict the effect of sequence changes on RNA splicing suggest that this variant may create or strengthen a splice site. In summary, the available evidence is currently insufficient to determine the role of this variant in disease. Therefore, it has been classified as a Variant of Uncertain Significance.

Ambry Genetics
Classification: Uncertain significance for Hereditary cancer-predisposing syndrome. Last evaluated: 2025-08-26. Review status: criteria provided, single submitter. Criteria: Ambry Variant Classification Scheme 2023. Collection method: clinical testing. Allele origin: germline.
Comment: The c.834+3A>G intronic variant results from an A to G substitution 3 nucleotides after coding exon 7 in the APC gene. This nucleotide position is highly conserved in available vertebrate species. In silico splice site analysis predicts that this alteration may result in the creation or strengthening of a novel splice donor site. RNA studies have demonstrated that this alteration does not result in abnormal splicing in the set of samples tested (Ambry internal data). Based on the available evidence, the clinical significance of this variant remains unclear.

Literature cited by the submitters: PubMed 17576681 (cited by Labcorp Genetics (formerly Invitae), Labcorp); PubMed 9536098 (cited by Labcorp Genetics (formerly Invitae), Labcorp).